The following is an entry in ClinVar:

NM_206933.4(USH2A):c.182C>A (p.Pro61Gln)

Gene: USH2A (usherin; minus strand). Cytogenetic location: 1q41.
Variant type: single nucleotide variant.
Coding change: c.182C>A on transcript NM_206933.4 (MANE Select); coding-DNA position 182, C replaced by A.
Protein change: p.Pro61Gln; replaces proline 61 with glutamine.
Molecular consequence: missense variant.
Genome position (GRCh38, 1-based): chr1:216,422,155, G>T on the plus strand (C>A on the coding strand, the complement: USH2A is on the minus strand). VCF-style: chr1-216422155-G-T. GRCh37 (hg19) VCF-style: chr1-216595497-G-T.
Other names: c.182C>A, p.Pro61Gln (NM_007123.6); short protein forms P61Q.
Identifiers: ClinVar variation 506257 (VCV000506257.6), dbSNP rs938662688, ClinGen allele CA37922148.

ClinVar aggregate classification (germline): Uncertain significance. Review status: criteria provided, single submitter (1 of 4 stars). 2 submissions from 2 submitters: Uncertain significance (1). 1 of the submissions does not count toward it. Last evaluated 2018-01-25.

Conditions:
Usher syndrome type 2A. Also called: USHER SYNDROME, TYPE IIA; RETINAL DISEASE IN USHER SYNDROME TYPE IIA, MODIFIER OF. Identifiers: Orphanet 231178, Orphanet 886, MedGen C1848634, MONDO:0010169, OMIM 276901.

Allele frequency attached by ClinVar (database versions not stated): TOPMed below 0.00001.
gnomAD v4.1: 25 of 1,613,770 alleles (0.0015%); highest among the groups gnomAD compares: Non-Finnish European, 0.0019%; no homozygotes.

Submissions (2):

Laboratory for Molecular Medicine, Mass General Brigham Personalized Medicine
Classification: Uncertain significance. Last evaluated: 2018-01-25. Review status: criteria provided, single submitter. Criteria: LMM Criteria. Collection method: clinical testing. Allele origin: germline. Observed: 1 variant allele.
Comment: The p.Pro61Gln variant in USH2A has not been previously reported in individuals with hearing loss or Usher syndrome, but has been identified in 1/111430 Europea n chromosomes by the Genome Aggregation Database (gnomAD). Although this variant has been seen in the general population, its frequency is not high enough to rule out a pathogenic role. Computational predic tion tools and conservation analysis do not provide strong support for or agains t an impact to the protein. In summary, the clinical significance of the p.Pro61 Gln variant is uncertain. ACMG/AMP Criteria applied: PM2.

Natera, Inc.
Classification: Uncertain significance for Usher syndrome type 2A. Last evaluated: 2020-02-21. Review status: no assertion criteria provided. Collection method: clinical testing. Allele origin: germline. Not counted in ClinVar's aggregate classification.